The following is an entry in ClinVar:

ClinVar aggregate classification (germline): Uncertain significance (1 of 4 stars; one submission).

Conditions:
Inborn genetic diseases. Identifiers: MedGen C0950123, MeSH D030342.

Submission:

Ambry Genetics
Classification: Uncertain significance for Inborn genetic diseases. Last evaluated: 2022-02-15. Review status: criteria provided, single submitter. Criteria: Ambry Variant Classification Scheme 2023. Collection method: clinical testing. Allele origin: germline.
Comment: The p.P829T variant (also known as c.2485C>A), located in coding exon 16 of the EPAS1 gene, results from a C to A substitution at nucleotide position 2485. The proline at codon 829 is replaced by threonine, an amino acid with highly similar properties. This amino acid position is conserved. In addition, this alteration is predicted to be tolerated by in silico analysis. Since supporting evidence is limited at this time, the clinical significance of this alteration remains unclear.

NM_001430.5(EPAS1):c.2485C>A (p.Pro829Thr)

Gene: EPAS1 (endothelial PAS domain protein 1; plus strand). Cytogenetic location: 2p21.
Variant type: single nucleotide variant.
Coding change: c.2485C>A on transcript NM_001430.5 (MANE Select); coding-DNA position 2485, C replaced by A.
Protein change: p.Pro829Thr; replaces proline 829 with threonine.
Molecular consequence: missense variant.
Genome position (GRCh38, 1-based): chr2:46,384,532, C>A. VCF-style: chr2-46384532-C-A. GRCh37 (hg19) VCF-style: chr2-46611671-C-A.
Other names: short protein forms P829T.
Identifiers: ClinVar variation 1791978 (VCV001791978.2), dbSNP rs2546483591, ClinGen allele CA346706973.